The following is an entry in ClinVar:

NM_001378452.1(ITPR1):c.5093A>G (p.Tyr1698Cys)

Genes: BRRIAR (BHLHE40 and RIG-I regulating ITPR1 antisense RNA; minus strand), ITPR1 (inositol 1,4,5-trisphosphate receptor type 1; plus strand). Cytogenetic location: 3p26.1.
Variant type: single nucleotide variant.
Coding change: c.5093A>G on transcript NM_001378452.1 (MANE Select); coding-DNA position 5093, A replaced by G.
Protein change: p.Tyr1698Cys; replaces tyrosine 1698 with cysteine.
Molecular consequence: missense variant.
Genome position (GRCh38, 1-based): chr3:4,711,858, A>G. VCF-style: chr3-4711858-A-G. GRCh37 (hg19) VCF-style: chr3-4753542-A-G.
Other names: c.5066A>G, p.Tyr1689Cys (NM_001099952.4); c.5048A>G, p.Tyr1683Cys (NM_001168272.2); c.5021A>G, p.Tyr1674Cys (NM_002222.7); short protein forms Y1674C, Y1683C, Y1689C, Y1698C.
Identifiers: ClinVar variation 5017875 (VCV005017875.1).

ClinVar aggregate classification (germline): Uncertain significance (1 of 4 stars; one submission).

gnomAD v4.1: 11 of 1,494,518 alleles (0.00074%); highest among the groups gnomAD compares: Non-Finnish European, 0.001%; no homozygotes.

Submission:

GeneDx
Classification: Uncertain significance. Last evaluated: 2026-03-29. Review status: criteria provided, single submitter. Criteria: GeneDx Variant Classification Process June 2021. Collection method: clinical testing. Allele origin: germline.
Comment: Not observed at significant frequency in large population cohorts (gnomAD); In silico analysis supports that this missense variant has a deleterious effect on protein structure/function; Has not been previously published as pathogenic or benign to our knowledge